The following is an entry in ClinVar:

ClinVar aggregate classification (germline): Uncertain significance (1 of 4 stars; one submission).

Submission:

Labcorp Genetics (formerly Invitae), Labcorp
Classification: Uncertain significance. Last evaluated: 2024-10-21. Review status: criteria provided, single submitter. Criteria: Invitae Variant Classification Sherloc (09022015). Collection method: clinical testing. Allele origin: germline.
Comment: This sequence change replaces methionine, which is neutral and non-polar, with valine, which is neutral and non-polar, at codon 164 of the PPM1D protein (p.Met164Val). This variant is present in population databases (rs770546952, gnomAD 0.01%). This variant has not been reported in the literature in individuals affected with PPM1D-related conditions. An algorithm developed to predict the effect of missense changes on protein structure and function (PolyPhen-2) suggests that this variant is likely to be tolerated. In summary, the available evidence is currently insufficient to determine the role of this variant in disease. Therefore, it has been classified as a Variant of Uncertain Significance.

NM_003620.4(PPM1D):c.490A>G (p.Met164Val)

Gene: PPM1D (protein phosphatase, Mg2+/Mn2+ dependent 1D; plus strand). Cytogenetic location: 17q23.2.
Variant type: single nucleotide variant.
Coding change: c.490A>G on transcript NM_003620.4 (MANE Select); coding-DNA position 490, A replaced by G.
Protein change: p.Met164Val; replaces methionine 164 with valine.
Molecular consequence: missense variant.
Genome position (GRCh38, 1-based): chr17:60,623,538, A>G. VCF-style: chr17-60623538-A-G. GRCh37 (hg19) VCF-style: chr17-58700899-A-G.
Other names: short protein forms M164V.
Identifiers: ClinVar variation 3670021 (VCV003670021.2).